The following is an entry in ClinVar:

ClinVar aggregate classification (germline): Uncertain significance. Review status: criteria provided, multiple submitters, no conflicts (2 of 4 stars). 2 submissions from 2 submitters: Uncertain significance (2). Last evaluated 2025-08-03.

Conditions:
Inborn genetic diseases. Identifiers: MedGen C0950123, MeSH D030342.
Autosomal dominant nocturnal frontal lobe epilepsy 5. Also called: CILIARY DYSKINESIA, PRIMARY, 28, WITH SITUS INVERSUS; KCNT1-Related Epilepsy; CILIARY DYSKINESIA, PRIMARY, 28, WITHOUT SITUS INVERSUS; Epilepsy, nocturnal frontal lobe, 5. Identifiers: Orphanet 98784, MedGen C3554306, MONDO:0014002, OMIM 615005.
Developmental and epileptic encephalopathy, 14 (DEE14). Also called: Early infantile epileptic encephalopathy 14. Identifiers: Orphanet 293181, MedGen C3554195, MONDO:0013989, OMIM 614959.

Allele frequency attached by ClinVar (database versions not stated): gnomAD exomes 0.00001; TOPMed 0.00002; gnomAD 0.00003; ExAC 0.00008.
gnomAD v4.1: 13 of 1,516,588 alleles (0.00086%); highest among the groups gnomAD compares: African/African-American, 0.0083%; no homozygotes.

Submissions (2):

Labcorp Genetics (formerly Invitae), Labcorp
Classification: Uncertain significance for Autosomal dominant nocturnal frontal lobe epilepsy 5; Developmental and epileptic encephalopathy, 14. Last evaluated: 2025-08-03. Review status: criteria provided, single submitter. Criteria: Invitae Variant Classification Sherloc (09022015). Collection method: clinical testing. Allele origin: germline.
Comment: This sequence change replaces glutamic acid, which is acidic and polar, with lysine, which is basic and polar, at codon 742 of the KCNT1 protein (p.Glu742Lys). This variant is present in population databases (rs749302270, gnomAD 0.006%). This variant has not been reported in the literature in individuals affected with KCNT1-related conditions. ClinVar contains an entry for this variant (Variation ID: 1404863). Invitae Evidence Modeling of protein sequence and biophysical properties (such as structural, functional, and spatial information, amino acid conservation, physicochemical variation, residue mobility, and thermodynamic stability) indicates that this missense variant is not expected to disrupt KCNT1 protein function with a negative predictive value of 80%. In summary, the available evidence is currently insufficient to determine the role of this variant in disease. Therefore, it has been classified as a Variant of Uncertain Significance.

Ambry Genetics
Classification: Uncertain significance for Inborn genetic diseases. Last evaluated: 2022-11-18. Review status: criteria provided, single submitter. Criteria: Ambry Variant Classification Scheme 2023. Collection method: clinical testing. Allele origin: germline.

NM_020822.3(KCNT1):c.2224G>A (p.Glu742Lys)

Gene: KCNT1 (potassium sodium-activated channel subfamily T member 1; plus strand). Cytogenetic location: 9q34.3.
Variant type: single nucleotide variant.
Coding change: c.2224G>A on transcript NM_020822.3 (MANE Select); coding-DNA position 2224, G replaced by A.
Protein change: p.Glu742Lys; replaces glutamic acid 742 with lysine.
Molecular consequence: missense variant.
Genome position (GRCh38, 1-based): chr9:135,772,930, G>A. VCF-style: chr9-135772930-G-A. GRCh37 (hg19) VCF-style: chr9-138664776-G-A.
Other names: c.2089G>A, p.Glu697Lys (NM_001272003.2); c.2224G>A (NM_020822.2); short protein forms E697K, E742K.
Identifiers: ClinVar variation 1404863 (VCV001404863.7), dbSNP rs749302270, ClinGen allele CA5327216.